The following is an entry in ClinVar:

ClinVar aggregate classification (germline): Uncertain significance. Review status: criteria provided, multiple submitters, no conflicts (2 of 4 stars). 2 submissions from 2 submitters: Uncertain significance (2). Last evaluated 2026-09-06.

Conditions:
Cardiovascular phenotype. Identifiers: MedGen CN230736.
Hypertrophic cardiomyopathy. Also called: HYPERTROPHIC MYOCARDIOPATHY. Identifiers: Orphanet 217569, MedGen C0007194, MeSH D002312, MONDO:0005045, HP:0001639.

Allele frequency attached by ClinVar (database versions not stated): gnomAD exomes 0.00001; TOPMed 0.00001; gnomAD 0.00001.
gnomAD v4.1: 4 of 1,613,772 alleles (0.00025%); highest among the groups gnomAD compares: Middle Eastern, 0.016%; no homozygotes.

Submissions (2):

Ambry Genetics
Classification: Uncertain significance for Cardiovascular phenotype. Last evaluated: 2026-09-06. Review status: criteria provided, single submitter. Criteria: Ambry Variant Classification Scheme 2023. Collection method: clinical testing. Allele origin: germline.
Comment: The p.I38M variant (also known as c.114C>G), located in coding exon 2 of the MYOZ2 gene, results from a C to G substitution at nucleotide position 114. The isoleucine at codon 38 is replaced by methionine, an amino acid with highly similar properties. This amino acid position is conserved. In addition, this alteration is predicted to be tolerated by in silico analysis. Based on the available evidence, the clinical significance of this variant remains unclear.

Labcorp Genetics (formerly Invitae), Labcorp
Classification: Uncertain significance for Hypertrophic cardiomyopathy. Last evaluated: 2024-02-16. Review status: criteria provided, single submitter. Criteria: Invitae Variant Classification Sherloc (09022015). Collection method: clinical testing. Allele origin: germline.
Comment: This sequence change replaces isoleucine, which is neutral and non-polar, with methionine, which is neutral and non-polar, at codon 38 of the MYOZ2 protein (p.Ile38Met). This variant is not present in population databases (gnomAD no frequency). This variant has not been reported in the literature in individuals affected with MYOZ2-related conditions. ClinVar contains an entry for this variant (Variation ID: 1440135). Advanced modeling of protein sequence and biophysical properties (such as structural, functional, and spatial information, amino acid conservation, physicochemical variation, residue mobility, and thermodynamic stability) performed at Invitae indicates that this missense variant is not expected to disrupt MYOZ2 protein function with a negative predictive value of 80%. In summary, the available evidence is currently insufficient to determine the role of this variant in disease. Therefore, it has been classified as a Variant of Uncertain Significance.

NM_016599.5(MYOZ2):c.114C>G (p.Ile38Met)

Gene: MYOZ2 (myozenin 2; plus strand). Cytogenetic location: 4q26.
Variant type: single nucleotide variant.
Coding change: c.114C>G on transcript NM_016599.5 (MANE Select); coding-DNA position 114, C replaced by G.
Protein change: p.Ile38Met; replaces isoleucine 38 with methionine.
Molecular consequence: missense variant.
Genome position (GRCh38, 1-based): chr4:119,150,909, C>G. VCF-style: chr4-119150909-C-G. GRCh37 (hg19) VCF-style: chr4-120072064-C-G.
Other names: c.114C>G (NM_016599.4); short protein forms I38M.
Identifiers: ClinVar variation 1440135 (VCV001440135.7), dbSNP rs1741433554, ClinGen allele CA358203463.